The following is an entry in ClinVar:

NM_005751.5(AKAP9):c.10015T>A (p.Leu3339Met)

Gene: AKAP9 (A-kinase anchoring protein 9; plus strand). Cytogenetic location: 7q21.2.
Variant type: single nucleotide variant.
Coding change: c.10015T>A on transcript NM_005751.5 (MANE Select); coding-DNA position 10015, T replaced by A.
Protein change: p.Leu3339Met; replaces leucine 3339 with methionine.
Molecular consequence: missense variant.
Genome position (GRCh38, 1-based): chr7:92,096,974, T>A. VCF-style: chr7-92096974-T-A. GRCh37 (hg19) VCF-style: chr7-91726288-T-A.
Other names: c.4660T>A, p.Leu1554Met (NM_001379277.1); c.9991T>A, p.Leu3331Met (NM_147185.3); short protein forms L1554M, L3331M, L3339M.
Identifiers: ClinVar variation 1524883 (VCV001524883.8), dbSNP rs777913621, ClinGen allele CA368152705.

ClinVar aggregate classification (germline): Uncertain significance (1 of 4 stars; one submission).

Conditions:
Long QT syndrome (LQTS). Identifiers: MedGen C0023976, MeSH D008133, MONDO:0002442. Disease mechanism: loss of function. Inheritance: Various modes of inheritance.

Submission:

Labcorp Genetics (formerly Invitae), Labcorp
Classification: Uncertain significance for Long QT syndrome. Last evaluated: 2020-11-03. Review status: criteria provided, single submitter. Criteria: Invitae Variant Classification Sherloc (09022015). Collection method: clinical testing. Allele origin: germline.
Comment: This variant has not been reported in the literature in individuals with AKAP9-related conditions. Algorithms developed to predict the effect of missense changes on protein structure and function output the following: SIFT: "Tolerated"; PolyPhen-2: "Possibly Damaging"; Align-GVGD: "Class C0". The methionine amino acid residue is found in multiple mammalian species, suggesting that this missense change does not adversely affect protein function. These predictions have not been confirmed by published functional studies and their clinical significance is uncertain. In summary, the available evidence is currently insufficient to determine the role of this variant in disease. Therefore, it has been classified as a Variant of Uncertain Significance. This sequence change replaces leucine with methionine at codon 3339 of the AKAP9 protein (p.Leu3339Met). The leucine residue is moderately conserved and there is a small physicochemical difference between leucine and methionine. This variant is not present in population databases (ExAC no frequency).